The following is an entry in ClinVar:

ClinVar aggregate classification (germline): Uncertain significance (1 of 4 stars; one submission).

Conditions:
Chédiak-Higashi syndrome (CHS). Also called: Chediak-Higashi Syndrome. Identifiers: Orphanet 167, MedGen C0007965, MONDO:0008963, OMIM 214500.

Submission:

Labcorp Genetics (formerly Invitae), Labcorp
Classification: Uncertain significance for Chédiak-Higashi syndrome. Last evaluated: 2021-12-19. Review status: criteria provided, single submitter. Criteria: Invitae Variant Classification Sherloc (09022015). Collection method: clinical testing. Allele origin: germline.
Comment: This sequence change replaces isoleucine, which is neutral and non-polar, with phenylalanine, which is neutral and non-polar, at codon 677 of the LYST protein (p.Ile677Phe). This variant is not present in population databases (gnomAD no frequency). This variant has not been reported in the literature in individuals affected with LYST-related conditions. Algorithms developed to predict the effect of missense changes on protein structure and function are either unavailable or do not agree on the potential impact of this missense change (SIFT: "Deleterious"; PolyPhen-2: "Benign"; Align-GVGD: "Class C0"). In summary, the available evidence is currently insufficient to determine the role of this variant in disease. Therefore, it has been classified as a Variant of Uncertain Significance.

NM_000081.4(LYST):c.2029A>T (p.Ile677Phe)

Gene: LYST (lysosomal trafficking regulator; minus strand). Cytogenetic location: 1q42.3.
Variant type: single nucleotide variant.
Coding change: c.2029A>T on transcript NM_000081.4 (MANE Select); coding-DNA position 2029, A replaced by T.
Protein change: p.Ile677Phe; replaces isoleucine 677 with phenylalanine.
Molecular consequence: missense variant.
Genome position (GRCh38, 1-based): chr1:235,808,789, T>A on the plus strand (A>T on the coding strand, the complement: LYST is on the minus strand). VCF-style: chr1-235808789-T-A. GRCh37 (hg19) VCF-style: chr1-235972089-T-A.
Other names: c.2029A>T, p.Ile677Phe (NM_001301365.1); short protein forms I677F.
Identifiers: ClinVar variation 2081856 (VCV002081856.4), dbSNP rs779574809, ClinGen allele CA344961111.